The following is an entry in ClinVar:

ClinVar aggregate classification (germline): Uncertain significance. Review status: criteria provided, multiple submitters, no conflicts (2 of 4 stars). 3 submissions from 3 submitters: Uncertain significance (3). Last evaluated 2026-01-29.

Conditions:
Autosomal recessive limb-girdle muscular dystrophy type 2J (LGMDR10). Also called: MUSCULAR DYSTROPHY, LIMB-GIRDLE, AUTOSOMAL RECESSIVE 10; Limb-girdle muscular dystrophy, type 2J. Identifiers: Orphanet 140922, MedGen C1837342, MONDO:0012127, OMIM 608807.
Tibial muscular dystrophy (TMD). Also called: Tibial muscular dystrophy, tardive; Udd Distal Myopathy – Tibial Muscular Dystrophy; UDD MYOPATHY. Identifiers: Orphanet 609, MedGen C1838244, MONDO:0010870, OMIM 600334.
Myopathy, myofibrillar, 9, with early respiratory failure (MFM9). Also called: Myopathy, distal, with early respiratory failure, autosomal dominant; EDSTROM MYOPATHY; MYOPATHY, PROXIMAL, WITH EARLY RESPIRATORY MUSCLE INVOLVEMENT; Hereditary myopathy with early respiratory failure. Identifiers: Orphanet 178464, Orphanet 34521, MedGen C1863599, MONDO:0011362, OMIM 603689.
Dilated cardiomyopathy 1G (CMD1G). Identifiers: Orphanet 154, MedGen C1858763, MONDO:0011400, OMIM 604145.
Early-onset myopathy with fatal cardiomyopathy (CMYO5). Also called: CONGENITAL MYOPATHY 5 WITH CARDIOMYOPATHY; Salih Myopathy. Identifiers: Orphanet 289377, MedGen C2673677, MONDO:0012714, OMIM 611705. Disease mechanism: loss of function.
Hypertrophic cardiomyopathy 9. Also called: Familial hypertrophic cardiomyopathy 9. Identifiers: MedGen C1861065, MONDO:0013412, OMIM 613765.

Allele frequency attached by ClinVar (database versions not stated): gnomAD 0.00001; gnomAD exomes 0.00001 and 0.00002; TOPMed 0.00003.
gnomAD v4.1: 10 of 1,608,594 alleles (0.00062%); highest among the groups gnomAD compares: Admixed American, 0.015%; no homozygotes.

Submissions (3):

GeneDx
Classification: Uncertain significance. Last evaluated: 2026-01-29. Review status: criteria provided, single submitter. Criteria: GeneDx Variant Classification Process June 2021. Collection method: clinical testing. Allele origin: germline. Affected: yes.
Comment: Not observed at significant frequency in large population cohorts (gnomAD); Missense variant in a gene in which most reported pathogenic variants are truncating/loss of function; Has not been previously published as pathogenic or benign to our knowledge

Fulgent Genetics
Classification: Uncertain significance for Tibial muscular dystrophy; Myopathy, myofibrillar, 9, with early respiratory failure; Dilated cardiomyopathy 1G; Autosomal recessive limb-girdle muscular dystrophy type 2J; Early-onset myopathy with fatal cardiomyopathy; Hypertrophic cardiomyopathy 9. Last evaluated: 2021-09-03. Review status: criteria provided, single submitter. Criteria: ACMG Guidelines, 2015. Collection method: clinical testing. Allele origin: unknown.

Eurofins Ntd Llc (ga)
Classification: Uncertain significance. Last evaluated: 2014-04-04. Review status: criteria provided, single submitter. Criteria: EGL Classification Definitions 2015. Collection method: clinical testing. Allele origin: germline. Observed: 1 variant allele, 1 heterozygote.

NM_001267550.2(TTN):c.90441C>A (p.His30147Gln)

Genes: TTN (titin; minus strand), TTN-AS1 (TTN antisense RNA 1; plus strand). Cytogenetic location: 2q31.2.
Variant type: single nucleotide variant.
Coding change: c.90441C>A on transcript NM_001267550.2 (MANE Select); coding-DNA position 90441, C replaced by A.
Protein change: p.His30147Gln; replaces histidine 30147 with glutamine.
Molecular consequence: missense variant.
Genome position (GRCh38, 1-based): chr2:178,552,459, G>T on the plus strand (C>A on the coding strand, the complement: TTN is on the minus strand). VCF-style: chr2-178552459-G-T. GRCh37 (hg19) VCF-style: chr2-179417186-G-T.
Other names: c.85518C>A, p.His28506Gln (NM_001256850.1); c.63246C>A, p.His21082Gln (NM_003319.4); c.63621C>A, p.His21207Gln (NM_133432.3); c.63822C>A, p.His21274Gln (NM_133437.4); c.90441C>A (NM_001267550.1); short protein forms H30147Q, H21274Q, H28506Q, H21082Q, H21207Q.
Identifiers: ClinVar variation 167763 (VCV000167763.9), dbSNP rs72648242, ClinGen allele CA235051.
Genomic context (GRCh38, chr2:178,552,459, plus strand): 5'-TTTCAGCCAACTGATGGATGGTTTGGGTTTTCCCTTATAAGGTAATTCAAGGTGCACATT[G>T]TGCCCAATTCTCACAGTGACTTGTGCCCCAGGGATATCTGACAGGTCAACTTCAGGTGTA-3'
Protein context (NP_001254479.2, residues 30137-30157): PGAQVTVRIG[His30147Gln]NVHLELPYKG